The following is an entry in ClinVar:

NM_001267550.2(TTN):c.25063+65T>C

Gene: TTN (titin; minus strand). Cytogenetic location: 2q31.2.
Variant type: single nucleotide variant.
Coding change: c.25063+65T>C on transcript NM_001267550.2 (MANE Select); 65 bases into the intron after coding-DNA position 25063, T replaced by C.
Molecular consequence: intron variant.
Genome position (GRCh38, 1-based): chr2:178,717,878, A>G on the plus strand (T>C on the coding strand, the complement: TTN is on the minus strand). VCF-style: chr2-178717878-A-G. GRCh37 (hg19) VCF-style: chr2-179582605-A-G.
Other names: c.13282+20204T>C (NM_003319.4); c.13858+20204T>C (NM_133437.4); c.13657+20204T>C (NM_133432.3); c.21331+65T>C (NM_133378.4); c.24112+65T>C (NM_001256850.1).
Identifiers: ClinVar variation 671414 (VCV000671414.2), dbSNP rs6750145, ClinGen allele CA16120093.
Genomic context (GRCh38, chr2:178,717,878, plus strand): 5'-GAAGTTACAGATAATCCTTATTTACAGGTGAGAAGGCATCCACAACATATTTCAATTCAT[A>G]AAAGTTTTAACGTTTTTAAGAAAATGAATCTGTTCACACACACTAGGTTAAACAACACCA-3'

ClinVar aggregate classification (germline): Benign. Review status: criteria provided, multiple submitters, no conflicts (2 of 4 stars). 2 submissions from 2 submitters: Benign (2). Last evaluated 2018-06-14.

Allele frequency attached by ClinVar (database versions not stated): gnomAD exomes 0.16807; gnomAD 0.19462 and 0.19707; TOPMed 0.21011; 1000 Genomes Project 30x 0.27826; 1000 Genomes Project 0.27915.
gnomAD v4.1: 269,513 of 1,571,472 alleles (17%); highest among the groups gnomAD compares: East Asian, 44%; 26,184 homozygotes.

Submissions (2):

GeneDx
Classification: Benign. Last evaluated: 2018-06-14. Review status: criteria provided, single submitter. Criteria: GeneDx Variant Classification (06012015). Collection method: clinical testing. Allele origin: germline. Affected: yes.
Comment: This variant is considered likely benign or benign based on one or more of the following criteria: it is a conservative change, it occurs at a poorly conserved position in the protein, it is predicted to be benign by multiple in silico algorithms, and/or has population frequency not consistent with disease.

Breakthrough Genomics
Classification: Benign. Review status: criteria provided, single submitter. Criteria: ACMG Guidelines, 2015. Collection method: not provided. Allele origin: germline. Inheritance: Autosomal recessive inheritance. Affected: yes.